The following is an entry in ClinVar:

ClinVar aggregate classification (germline): Uncertain significance. Review status: criteria provided, multiple submitters, no conflicts (2 of 4 stars). 2 submissions from 2 submitters: Uncertain significance (2). Last evaluated 2025-12-30.

Conditions:
Hajdu-Cheney syndrome (HJCYS). Also called: SERPENTINE FIBULA-POLYCYSTIC KIDNEY SYNDROME; ACROOSTEOLYSIS WITH OSTEOPOROSIS AND CHANGES IN SKULL AND MANDIBLE; Acroosteolysis dominant type. Identifiers: Orphanet 955, MedGen C0917715, MONDO:0007057, OMIM 102500.
NOTCH2-related disorder. Also called: NOTCH2-related condition.

Allele frequency attached by ClinVar (database versions not stated): gnomAD exomes below 0.00001.
gnomAD v4.1: 3 of 1,614,172 alleles (0.00019%); highest among the groups gnomAD compares: Non-Finnish European, 0.00017%; no homozygotes.

Submissions (2):

PreventionGenetics, part of Exact Sciences
Classification: Uncertain significance for NOTCH2-related condition. Last evaluated: 2025-12-30. Review status: criteria provided, single submitter. Criteria: ACMG Guidelines, 2015. Collection method: clinical testing. Allele origin: germline.
Comment: The NOTCH2 c.2792A>G variant is predicted to result in the amino acid substitution p.Asn931Ser. To our knowledge, this variant has not been reported in the literature or in a large population database (gnomAD), indicating this variant is rare. At this time, the clinical significance of this variant is uncertain due to the absence of conclusive functional and genetic evidence.

Labcorp Genetics (formerly Invitae), Labcorp
Classification: Uncertain significance for Hajdu-Cheney syndrome. Last evaluated: 2023-01-13. Review status: criteria provided, single submitter. Criteria: Invitae Variant Classification Sherloc (09022015). Collection method: clinical testing. Allele origin: germline.
Comment: This sequence change replaces asparagine, which is neutral and polar, with serine, which is neutral and polar, at codon 931 of the NOTCH2 protein (p.Asn931Ser). This variant is not present in population databases (gnomAD no frequency). This variant has not been reported in the literature in individuals affected with NOTCH2-related conditions. ClinVar contains an entry for this variant (Variation ID: 1392566). Advanced modeling of protein sequence and biophysical properties (such as structural, functional, and spatial information, amino acid conservation, physicochemical variation, residue mobility, and thermodynamic stability) performed at Invitae indicates that this missense variant is not expected to disrupt NOTCH2 protein function. In summary, the available evidence is currently insufficient to determine the role of this variant in disease. Therefore, it has been classified as a Variant of Uncertain Significance.

NM_024408.4(NOTCH2):c.2792A>G (p.Asn931Ser)

Gene: NOTCH2 (notch receptor 2; minus strand). Cytogenetic location: 1p12.
Variant type: single nucleotide variant.
Coding change: c.2792A>G on transcript NM_024408.4 (MANE Select); coding-DNA position 2792, A replaced by G.
Protein change: p.Asn931Ser; replaces asparagine 931 with serine.
Molecular consequence: missense variant.
Genome position (GRCh38, 1-based): chr1:119,941,715, T>C on the plus strand (A>G on the coding strand, the complement: NOTCH2 is on the minus strand). VCF-style: chr1-119941715-T-C. GRCh37 (hg19) VCF-style: chr1-120484338-T-C.
Other names: c.2792A>G, p.Asn931Ser (NM_001200001.2); c.2792A>G (NM_024408.3); short protein forms N931S.
Identifiers: ClinVar variation 1392566 (VCV001392566.9), dbSNP rs2101105785, ClinGen allele CA341856275.
Genomic context (GRCh38, chr1:119,941,715, plus strand): 5'-TTCATGTCTGTCTGGCACTTATCCCCAGTGAAACCCGGAAGGCAGAGGCAGGAGAAAGTA[T>C]TCACTCCATCCATACAGGAACCTCCATTCTGGCAAGGATCTAAGCCATTACAAAAGAATT-3'
Protein context (NP_077719.2, residues 921-941): QNGGSCMDGV[Asn931Ser]TFSCLCLPGF